The following is an entry in ClinVar:

ClinVar aggregate classification (germline): Uncertain significance. Review status: criteria provided, multiple submitters, no conflicts (2 of 4 stars). 5 submissions from 5 submitters: Uncertain significance (5). Last evaluated 2025-11-15.

Conditions:
Familial thoracic aortic aneurysm and aortic dissection (TAAD). Also called: Thoracic aortic aneurysms and dissections. Identifiers: Orphanet 91387, MedGen C4707243, MONDO:0019625.
Aortic aneurysm, familial thoracic 7 (AAT7). Also called: AORTIC DISSECTION, FAMILIAL, WITH OR WITHOUT AORTIC ANEURYSM. Identifiers: MedGen C3151077, MONDO:0013418, OMIM 613780.

Allele frequency attached by ClinVar (database versions not stated): ExAC 0.00002; gnomAD exomes 0.00002 and 0.00004; gnomAD 0.00009 and 0.00010; TOPMed 0.00013.
gnomAD v4.1: 48 of 1,614,096 alleles (0.003%); highest among the groups gnomAD compares: Admixed American, 0.03%; no homozygotes.

Submissions (5):

Labcorp Genetics (formerly Invitae), Labcorp
Classification: Uncertain significance for Aortic aneurysm, familial thoracic 7. Last evaluated: 2025-11-15. Review status: criteria provided, single submitter. Criteria: Invitae Variant Classification Sherloc (09022015). Collection method: clinical testing. Allele origin: germline.
Comment: This sequence change replaces lysine, which is basic and polar, with glutamine, which is neutral and polar, at codon 419 of the MYLK protein (p.Lys419Gln). This variant is present in population databases (rs773391076, gnomAD 0.02%). This variant has not been reported in the literature in individuals affected with MYLK-related conditions. ClinVar contains an entry for this variant (Variation ID: 471700). Invitae Evidence Modeling of protein sequence and biophysical properties (such as structural, functional, and spatial information, amino acid conservation, physicochemical variation, residue mobility, and thermodynamic stability) indicates that this missense variant is not expected to disrupt MYLK protein function with a negative predictive value of 95%. In summary, the available evidence is currently insufficient to determine the role of this variant in disease. Therefore, it has been classified as a Variant of Uncertain Significance.

Ambry Genetics
Classification: Uncertain significance for Familial thoracic aortic aneurysm and aortic dissection. Last evaluated: 2024-07-07. Review status: criteria provided, single submitter. Criteria: Ambry Variant Classification Scheme 2023. Collection method: clinical testing. Allele origin: germline.
Comment: The p.K419Q variant (also known as c.1255A>C), located in coding exon 7 of the MYLK gene, results from an A to C substitution at nucleotide position 1255. The lysine at codon 419 is replaced by glutamine, an amino acid with similar properties. This amino acid position is conserved. In addition, this alteration is predicted to be tolerated by in silico analysis. Since supporting evidence is limited at this time, the clinical significance of this alteration remains unclear.

GeneDx
Classification: Uncertain significance. Last evaluated: 2021-04-27. Review status: criteria provided, single submitter. Criteria: GeneDx Variant Classification Process June 2021. Collection method: clinical testing. Allele origin: germline. Affected: yes.
Comment: Has not been previously published as pathogenic or benign to our knowledge; In silico analysis supports that this missense variant has a deleterious effect on protein structure/function; Reported in ClinVar as a variant of uncertain significance (ClinVar Variant ID# 471700; Landrum et al., 2016)

Women's Health and Genetics/Laboratory Corporation of America, LabCorp
Classification: Uncertain significance. Last evaluated: 2020-12-29. Review status: criteria provided, single submitter. Criteria: LabCorp Variant Classification Summary - May 2015. Collection method: clinical testing. Allele origin: germline.
Comment: Variant summary: MYLK c.1255A>C (p.Lys419Gln) results in a conservative amino acid change in the encoded protein sequence. Five of five in-silico tools predict a benign effect of the variant on protein function. The variant allele was found at a frequency of 4e-05 in 250876 control chromosomes. This frequency is not significantly higher than expected for a pathogenic variant in MYLK causing Thoracic Aortic Aneurysms And Dissections (4e-05 vs 5e-05), allowing no conclusion about variant significance. To our knowledge, no occurrence of c.1255A>C in individuals affected with Thoracic Aortic Aneurysms And Dissections and no experimental evidence demonstrating its impact on protein function have been reported. Two other clinical diagnostic laboratories have submitted clinical-significance assessments for this variant to ClinVar after 2014 without evidence for independent evaluation. Both laboratories classified the variant as uncertain significance. Based on the evidence outlined above, the variant was classified as uncertain significance.

Illumina Laboratory Services, Illumina
Classification: Uncertain significance for Aortic aneurysm, familial thoracic 7. Last evaluated: 2018-01-13. Review status: criteria provided, single submitter. Criteria: ICSL Variant Classification Criteria 13 December 2019. Collection method: clinical testing. Allele origin: germline.

NM_053025.4(MYLK):c.1255A>C (p.Lys419Gln)

Gene: MYLK (myosin light chain kinase; minus strand). Cytogenetic location: 3q21.1.
Variant type: single nucleotide variant.
Coding change: c.1255A>C on transcript NM_053025.4 (MANE Select); coding-DNA position 1255, A replaced by C.
Protein change: p.Lys419Gln; replaces lysine 419 with glutamine.
Molecular consequence: missense variant.
Genome position (GRCh38, 1-based): chr3:123,733,741, T>G on the plus strand (A>C on the coding strand, the complement: MYLK is on the minus strand). VCF-style: chr3-123733741-T-G. GRCh37 (hg19) VCF-style: chr3-123452588-T-G.
Other names: c.727A>C, p.Lys243Gln (NM_001321309.2); c.1255A>C, p.Lys419Gln (NM_053026.4, NM_053027.4, NM_053028.4); short protein forms K419Q, K243Q.
Identifiers: ClinVar variation 471700 (VCV000471700.15), dbSNP rs773391076, ClinGen allele CA066861.